The following is an entry in ClinVar:

ClinVar aggregate classification (germline): Conflicting classifications of pathogenicity. Review status: criteria provided, conflicting classifications (1 of 4 stars). 2 submissions from 2 submitters: Uncertain significance (1); Likely benign (1). Last evaluated 2018-01-13.

Conditions:
Achondrogenesis, type IA (ACG1A). Identifiers: Orphanet 932, Orphanet 93299, MedGen C0265273, MONDO:0008701, OMIM 200600.

Allele frequency attached by ClinVar (database versions not stated): gnomAD 0.00027 and 0.00029; TOPMed 0.00028; gnomAD exomes 0.00036; ESP Exome Variant Server 0.00038; ExAC 0.00058.
gnomAD v4.1: 752 of 1,605,556 alleles (0.047%); highest among the groups gnomAD compares: Middle Eastern, 0.12%; 1 homozygote.

Submissions (2):

Illumina Laboratory Services, Illumina
Classification: Uncertain significance for Achondrogenesis, type IA. Last evaluated: 2018-01-13. Review status: criteria provided, single submitter. Criteria: ICSL Variant Classification Criteria 13 December 2019. Collection method: clinical testing. Allele origin: germline.

GeneDx
Classification: Likely benign. Last evaluated: 2017-02-17. Review status: criteria provided, single submitter. Criteria: GeneDx Variant Classification (06012015). Collection method: clinical testing. Allele origin: germline. Affected: yes.
Comment: This variant is considered likely benign or benign based on one or more of the following criteria: it is a conservative change, it occurs at a poorly conserved position in the protein, it is predicted to be benign by multiple in silico algorithms, and/or has population frequency not consistent with disease.

NM_004239.4(TRIP11):c.-24G>A

Gene: TRIP11 (thyroid hormone receptor interactor 11; minus strand). Cytogenetic location: 14q32.12.
Variant type: single nucleotide variant.
Coding change: c.-24G>A on transcript NM_004239.4 (MANE Select); 24 bases upstream of the start codon, G replaced by A.
Molecular consequence: 5 prime UTR variant.
Genome position (GRCh38, 1-based): chr14:92,039,709, C>T on the plus strand (G>A on the coding strand, the complement: TRIP11 is on the minus strand). VCF-style: chr14-92039709-C-T. GRCh37 (hg19) VCF-style: chr14-92506053-C-T.
Other names: c.-24G>A (NM_001321851.1).
Identifiers: ClinVar variation 314982 (VCV000314982.5), dbSNP rs199937850, ClinGen allele CA7314332.